The following is an entry in ClinVar:

ClinVar aggregate classification (germline): Uncertain significance (1 of 4 stars; one submission).

Submission:

GeneDx
Classification: Uncertain significance. Last evaluated: 2024-09-12. Review status: criteria provided, single submitter. Criteria: GeneDx Variant Classification Process June 2021. Collection method: clinical testing. Allele origin: germline. Affected: yes.
Comment: Not observed at significant frequency in large population cohorts (gnomAD); In silico analysis supports that this missense variant has a deleterious effect on protein structure/function; Has not been previously published as pathogenic or benign to our knowledge

NM_004736.4(XPR1):c.1387T>G (p.Cys463Gly)

Gene: XPR1 (xenotropic and polytropic retrovirus receptor 1; plus strand). Cytogenetic location: 1q25.3.
Variant type: single nucleotide variant.
Coding change: c.1387T>G on transcript NM_004736.4 (MANE Select); coding-DNA position 1387, T replaced by G.
Protein change: p.Cys463Gly; replaces cysteine 463 with glycine.
Molecular consequence: missense variant. On other transcripts: intron variant (1).
Genome position (GRCh38, 1-based): chr1:180,836,602, T>G. VCF-style: chr1-180836602-T-G. GRCh37 (hg19) VCF-style: chr1-180805738-T-G.
Other names: c.1387T>G, p.Cys463Gly (NM_001328662.2); c.1306+1557T>G (NM_001135669.2); short protein forms C463G.
Identifiers: ClinVar variation 3769674 (VCV003769674.1).